The following is an entry in ClinVar:

NM_004795.4(KL):c.1655A>C (p.His552Pro)

Gene: KL (klotho; plus strand). Cytogenetic location: 13q13.1.
Variant type: single nucleotide variant.
Coding change: c.1655A>C on transcript NM_004795.4 (MANE Select); coding-DNA position 1655, A replaced by C.
Protein change: p.His552Pro; replaces histidine 552 with proline.
Molecular consequence: missense variant.
Genome position (GRCh38, 1-based): chr13:33,060,734, A>C. VCF-style: chr13-33060734-A-C. GRCh37 (hg19) VCF-style: chr13-33634871-A-C.
Other names: short protein forms H552P.
Identifiers: ClinVar variation 4761100 (VCV004761100.1).

ClinVar aggregate classification (germline): Uncertain significance (1 of 4 stars; one submission).

gnomAD v4.1: 59 of 1,614,030 alleles (0.0037%); highest among the groups gnomAD compares: East Asian, 0.11%; no homozygotes.

Submission:

Labcorp Genetics (formerly Invitae), Labcorp
Classification: Uncertain significance. Last evaluated: 2025-06-10. Review status: criteria provided, single submitter. Criteria: Invitae Variant Classification Sherloc (09022015). Collection method: clinical testing. Allele origin: germline.
Comment: This sequence change replaces histidine, which is basic and polar, with proline, which is neutral and non-polar, at codon 552 of the KL protein (p.His552Pro). This variant is present in population databases (rs200206789, gnomAD 0.006%). This variant has not been reported in the literature in individuals affected with KL-related conditions. Invitae Evidence Modeling of protein sequence and biophysical properties (such as structural, functional, and spatial information, amino acid conservation, physicochemical variation, residue mobility, and thermodynamic stability) indicates that this missense variant is not expected to disrupt KL protein function with a negative predictive value of 80%. In summary, the available evidence is currently insufficient to determine the role of this variant in disease. Therefore, it has been classified as a Variant of Uncertain Significance.